The following is an entry in ClinVar:

NM_000540.3(RYR1):c.751G>A (p.Val251Met)

Gene: RYR1 (ryanodine receptor 1; plus strand). Cytogenetic location: 19q13.2.
Variant type: single nucleotide variant.
Coding change: c.751G>A on transcript NM_000540.3 (MANE Select); coding-DNA position 751, G replaced by A.
Protein change: p.Val251Met; replaces valine 251 with methionine.
Molecular consequence: missense variant.
Genome position (GRCh38, 1-based): chr19:38,446,719, G>A. VCF-style: chr19-38446719-G-A. GRCh37 (hg19) VCF-style: chr19-38937359-G-A.
Other names: c.751G>A, p.Val251Met (NM_001042723.2); short protein forms V251M.
Identifiers: ClinVar variation 590589 (VCV000590589.20), dbSNP rs1216903554, ClinGen allele CA405680252.

ClinVar aggregate classification (germline): Uncertain significance. Review status: criteria provided, multiple submitters, no conflicts (2 of 4 stars). 3 submissions from 3 submitters: Uncertain significance (3). Last evaluated 2025-09-27.

Conditions:
RYR1-related disorder. Also called: RYR1-related disorders; RYR1-related condition. Identifiers: MedGen CN239331.
Malignant hyperthermia, susceptibility to, 1 (MHS1). Also called: Anesthesia related hyperthermia; Malignant hyperpyrexia; Fulminating hyperpyrexia; Pharmacogenic myopathy; RYR1-Related Malignant Hyperthermia Susceptibility; Malignant hyperthermia suceptibility 1. Identifiers: Orphanet 423, MedGen C2930980, MONDO:0007783, OMIM 145600.

Allele frequency attached by ClinVar (database versions not stated): gnomAD exomes below 0.00001; TOPMed below 0.00001; gnomAD 0.00001.
gnomAD v4.1: 4 of 1,613,912 alleles (0.00025%); highest among the groups gnomAD compares: Non-Finnish European, 0.00025%; no homozygotes.

Submissions (3):

Labcorp Genetics (formerly Invitae), Labcorp
Classification: Uncertain significance for RYR1-related disorder. Last evaluated: 2025-09-27. Review status: criteria provided, single submitter. Criteria: Invitae Variant Classification Sherloc (09022015). Collection method: clinical testing. Allele origin: germline.
Comment: This sequence change replaces valine, which is neutral and non-polar, with methionine, which is neutral and non-polar, at codon 251 of the RYR1 protein (p.Val251Met). This variant is not present in population databases (gnomAD no frequency). This missense change has been observed in individual(s) with clinical features of RYR1-related conditions (PMID: 32236737, 37937776). ClinVar contains an entry for this variant (Variation ID: 590589). Invitae Evidence Modeling of protein sequence and biophysical properties (such as structural, functional, and spatial information, amino acid conservation, physicochemical variation, residue mobility, and thermodynamic stability) has been performed for this missense variant. However, the output from this modeling did not meet the statistical confidence thresholds required to predict the impact of this variant on RYR1 protein function. In summary, the available evidence is currently insufficient to determine the role of this variant in disease. Therefore, it has been classified as a Variant of Uncertain Significance.

All of Us Research Program, National Institutes of Health
Classification: Uncertain significance for Malignant hyperthermia, susceptibility to, 1. Last evaluated: 2024-07-29. Review status: criteria provided, single submitter. Criteria: ACMG Guidelines, 2015. Collection method: clinical testing. Allele origin: germline. Inheritance: Autosomal dominant inheritance. Observed: 3 variant alleles, 3 heterozygotes.
Comment: This missense variant replaces valine with methionine at codon 251 of the RYR1 protein. Computational prediction is inconclusive regarding the impact of this variant on protein structure and function (internally defined REVEL score threshold 0.5 < inconclusive < 0.7, PMID: 27666373). To our knowledge, functional studies have not been reported for this variant. This variant has not been reported in individuals affected with RYR1-related disorders in the literature. This variant has not been identified in the general population by the Genome Aggregation Database (gnomAD). The available evidence is insufficient to determine the role of this variant in disease conclusively. Therefore, this variant is classified as a Variant of Uncertain Significance.

This study involves interpretation of variants in research participants for the purpose of population health screening. Participant phenotype was not available at the time of variant classification. Additional details can be found in publication PMID: 35346344, PMCID: PMC8962531

PreventionGenetics, part of Exact Sciences
Classification: Uncertain significance. Last evaluated: 2013-10-18. Review status: criteria provided, single submitter. Criteria: ACMG Guidelines, 2015. Collection method: clinical testing. Allele origin: germline.

Literature cited by the submitters: PubMed 32236737 (cited by Labcorp Genetics (formerly Invitae), Labcorp); PubMed 37937776 (cited by Labcorp Genetics (formerly Invitae), Labcorp).